The following is an entry in ClinVar:

NM_024757.5(EHMT1):c.2320C>A (p.Arg774Ser)

Gene: EHMT1 (euchromatic histone lysine methyltransferase 1; plus strand). Cytogenetic location: 9q34.3.
Variant type: single nucleotide variant.
Coding change: c.2320C>A on transcript NM_024757.5 (MANE Select); coding-DNA position 2320, C replaced by A.
Protein change: p.Arg774Ser; replaces arginine 774 with serine.
Molecular consequence: missense variant.
Genome position (GRCh38, 1-based): chr9:137,782,335, C>A. VCF-style: chr9-137782335-C-A. GRCh37 (hg19) VCF-style: chr9-140676787-C-A.
Other names: c.2320C>A, p.Arg774Ser (NM_001145527.2); c.2227C>A, p.Arg743Ser (NM_001354259.2); c.2299C>A, p.Arg767Ser (NM_001354263.2); short protein forms R767S, R743S, R774S.
Identifiers: ClinVar variation 852897 (VCV000852897.10), dbSNP rs1951620356, ClinGen allele CA375782795.

ClinVar aggregate classification (germline): Uncertain significance (1 of 4 stars; one submission).

Conditions:
Kleefstra syndrome 1 (KLEFS1). Identifiers: Orphanet 261494, MedGen C0795833, MONDO:0027407, OMIM 610253.

Submission:

Labcorp Genetics (formerly Invitae), Labcorp
Classification: Uncertain significance for Kleefstra syndrome 1. Last evaluated: 2019-01-08. Review status: criteria provided, single submitter. Criteria: Invitae Variant Classification Sherloc (09022015). Collection method: clinical testing. Allele origin: germline.
Comment: This sequence change replaces arginine with serine at codon 774 of the EHMT1 protein (p.Arg774Ser). The arginine residue is highly conserved and there is a moderate physicochemical difference between arginine and serine. In summary, the available evidence is currently insufficient to determine the role of this variant in disease. Therefore, it has been classified as a Variant of Uncertain Significance. Algorithms developed to predict the effect of missense changes on protein structure and function are either unavailable or do not agree on the potential impact of this missense change (SIFT: "Deleterious"; PolyPhen-2: "Possibly Damaging"; Align-GVGD: "Class C0"). This variant has not been reported in the literature in individuals with EHMT1-related conditions. This variant is not present in population databases (ExAC no frequency).